The following is an entry in ClinVar:

NM_001927.4(DES):c.356T>A (p.Phe119Tyr)

Gene: DES (desmin; plus strand). Cytogenetic location: 2q35.
Variant type: single nucleotide variant.
Coding change: c.356T>A on transcript NM_001927.4 (MANE Select); coding-DNA position 356, T replaced by A.
Protein change: p.Phe119Tyr; replaces phenylalanine 119 with tyrosine.
Molecular consequence: missense variant.
Genome position (GRCh38, 1-based): chr2:219,418,818, T>A. VCF-style: chr2-219418818-T-A. GRCh37 (hg19) VCF-style: chr2-220283540-T-A.
Other names: c.356T>A, p.Phe119Tyr (NM_001382708.1, NM_001382709.1, NM_001382710.1 and 3 more transcripts); short protein forms F119Y.
Identifiers: ClinVar variation 4531816 (VCV004531816.1).

ClinVar aggregate classification (germline): Uncertain significance (1 of 4 stars; one submission).

Conditions:
Arrhythmogenic right ventricular cardiomyopathy (ARVD). Also called: Arrhythmogenic right ventricular dysplasia; Cardiomyopathy, ARVC; Arrhythmogenic cardiomyopathy; Arrhythmogenic Right Ventricular Cardiomyopathy (ARVC). Identifiers: Orphanet 247, MedGen C0349788, MeSH D019571, MONDO:0016587. Disease mechanism: loss of function. Inheritance: Various modes of inheritance.

Submission:

Victorian Clinical Genetics Services, Murdoch Childrens Research Institute
Classification: Uncertain significance for Arrhythmogenic right ventricular cardiomyopathy. Last evaluated: 2025-03-25. Review status: criteria provided, single submitter. Criteria: ACMG Guidelines, 2015. Collection method: clinical testing. Allele origin: germline. Affected: yes.
Comment: This variant is classified as VUS-3A. Evidence in support of pathogenic classification: Variant is absent from gnomAD (v2, v3 and v4); Missense variant predicted to be damaging by in silico tool(s) or highly conserved with a major amino acid change. Additional information: Variant is predicted to result in a missense amino acid change from phenylalanine to tyrosine; This variant is heterozygous; This gene is associated with both recessive and dominant disease. The majority of disease-associated DES variants exhibit autosomal dominant inheritance, with rare cases of biallelic truncating and missense variants reported for myopathy (PMID: 29926427); This variant has no previous evidence of pathogenicity; No published segregation evidence has been identified for this variant; No published functional evidence has been identified for this variant; No comparable missense variants have previous evidence for pathogenicity; Variant is located in the annotated filament domain (DECIPHER); Dominant negative and loss of function are known mechanisms of disease in this gene and are associated with dilated cardiomyopathy 1I (MIM#604765), myofibrillar myopathy 1 (MIM#601419), Kaeser type neurogenic scapuloperoneal syndrome (MIM#181400) and arrhythmogenic right ventricular cardiomyopathy (MONDO:0016587), DES-related (PMID: 29926427, 33373648); Inheritance information for this variant is not currently available in this individual.

Literature cited by the submitters: PubMed 29926427; PubMed 33373648.